The following is an entry in ClinVar:

ClinVar aggregate classification (germline): Uncertain significance. Review status: criteria provided, multiple submitters, no conflicts (2 of 4 stars). 2 submissions from 2 submitters: Uncertain significance (2). Last evaluated 2024-03-06.

Conditions:
Catecholaminergic polymorphic ventricular tachycardia 1. Also called: VENTRICULAR TACHYCARDIA, CATECHOLAMINERGIC POLYMORPHIC, 1, WITH OR WITHOUT ATRIAL DYSFUNCTION AND/OR DILATED CARDIOMYOPATHY; VENTRICULAR TACHYCARDIA, STRESS-INDUCED POLYMORPHIC 1; RYR2-Related Catecholaminergic Polymorphic Ventricular Tachycardia. Identifiers: Orphanet 3286, MedGen C1631597, MONDO:0011484, OMIM 604772.
Cardiomyopathy (CMYO). Also called: Cardiomyopathies. Identifiers: Orphanet 167848, MedGen C0878544, MONDO:0004994, HP:0001638. Inheritance: Various modes of inheritance.

gnomAD v4.1: 2 of 1,613,972 alleles (0.00012%); highest among the groups gnomAD compares: East Asian, 0.0045%; no homozygotes.

Submissions (2):

Color Diagnostics, LLC DBA Color Health
Classification: Uncertain significance for Cardiomyopathy. Last evaluated: 2024-03-06. Review status: criteria provided, single submitter. Criteria: ACMG Guidelines, 2015. Collection method: clinical testing. Allele origin: germline.
Comment: This variant is located in the RYR2 protein. Computational prediction is inconclusive regarding the impact of this variant on protein structure and function (internally defined REVEL score threshold 0.5 < inconclusive < 0.7, PMID: 27666373). To our knowledge, functional studies have not been reported for this variant. This variant has not been reported in individuals affected with cardiovascular disorders in the literature. This variant has not been identified in the general population by the Genome Aggregation Database (gnomAD). The available evidence is insufficient to determine the role of this variant in disease conclusively. Therefore, this variant is classified as a Variant of Uncertain Significance.

Labcorp Genetics (formerly Invitae), Labcorp
Classification: Uncertain significance for Catecholaminergic polymorphic ventricular tachycardia 1. Last evaluated: 2023-08-31. Review status: criteria provided, single submitter. Criteria: Invitae Variant Classification Sherloc (09022015). Collection method: clinical testing. Allele origin: germline.
Comment: In summary, the available evidence is currently insufficient to determine the role of this variant in disease. Therefore, it has been classified as a Variant of Uncertain Significance. This sequence change replaces glycine, which is neutral and non-polar, with valine, which is neutral and non-polar, at codon 710 of the RYR2 protein (p.Gly710Val). This variant is not present in population databases (gnomAD no frequency). This variant has not been reported in the literature in individuals affected with RYR2-related conditions. ClinVar contains an entry for this variant (Variation ID: 662142). Advanced modeling of protein sequence and biophysical properties (such as structural, functional, and spatial information, amino acid conservation, physicochemical variation, residue mobility, and thermodynamic stability) performed at Invitae indicates that this missense variant is expected to disrupt RYR2 protein function.

NM_001035.3(RYR2):c.2129G>T (p.Gly710Val)

Gene: RYR2 (ryanodine receptor 2; plus strand). Cytogenetic location: 1q43.
Variant type: single nucleotide variant.
Coding change: c.2129G>T on transcript NM_001035.3 (MANE Select); coding-DNA position 2129, G replaced by T.
Protein change: p.Gly710Val; replaces glycine 710 with valine.
Molecular consequence: missense variant.
Genome position (GRCh38, 1-based): chr1:237,496,678, G>T. VCF-style: chr1-237496678-G-T. GRCh37 (hg19) VCF-style: chr1-237659978-G-T.
Other names: c.2129G>T, p.Gly710Val (LRG_402t1); short protein forms G710V.
Identifiers: ClinVar variation 662142 (VCV000662142.14), dbSNP rs926435910, ClinGen allele CA345392047.